The following is an entry in ClinVar:

NC_000014.9:g.(?_87949835)_(87949941_?)del

Gene: GALC (galactosylceramidase; minus strand). Cytogenetic location: 14q31.3.
Variant type: Deletion.
Identifiers: ClinVar variation 663945 (VCV000663945.11).

ClinVar aggregate classification (germline): Likely pathogenic (1 of 4 stars; one submission).

Conditions:
Galactosylceramide beta-galactosidase deficiency. Also called: GALACTOCEREBROSIDASE DEFICIENCY; GALC DEFICIENCY; GLOBOID CELL LEUKOENCEPHALOPATHY; Krabbe Disease; Leukodystrophy, Globoid Cell. Identifiers: Orphanet 487, MedGen C0023521, MONDO:0009499, OMIM 245200.

Submission:

Labcorp Genetics (formerly Invitae), Labcorp
Classification: Likely pathogenic for Galactosylceramide beta-galactosidase deficiency. Last evaluated: 2020-09-09. Review status: criteria provided, single submitter. Criteria: Invitae Variant Classification Sherloc (09022015). Collection method: clinical testing. Allele origin: germline.
Comment: Experimental studies and prediction algorithms are not available for this variant, and the functional significance of the affected amino acid(s) is currently unknown. In summary, the currently available evidence indicates that the variant is pathogenic, but additional data are needed to prove that conclusively. Therefore, this variant has been classified as Likely Pathogenic. This variant has been observed in an individual affected with¬†Krabbe disease (PMID:¬†28598007). This variant is an in-frame deletion of the genomic region encompassing exon 12 of the GALC gene. It preserves the integrity of the reading frame.